The following is an entry in ClinVar:

NM_001048174.2(MUTYH):c.149A>T (p.Gln50Leu)

Gene: MUTYH (mutY DNA glycosylase; minus strand). Cytogenetic location: 1p34.1.
Variant type: single nucleotide variant.
Coding change: c.149A>T on transcript NM_001048174.2 (MANE Select); coding-DNA position 149, A replaced by T.
Protein change: p.Gln50Leu; replaces glutamine 50 with leucine.
Molecular consequence: missense variant. On other transcripts: 5 prime UTR variant (1), non-coding transcript variant (5), intron variant (5).
Genome position (GRCh38, 1-based): chr1:45,333,528, T>A on the plus strand (A>T on the coding strand, the complement: MUTYH is on the minus strand). VCF-style: chr1-45333528-T-A. GRCh37 (hg19) VCF-style: chr1-45799200-T-A.
Other names: c.149A>T, p.Gln50Leu (NM_001048171.2, NM_001048173.2, NM_001293195.2 and 6 more transcripts); c.152A>T, p.Gln51Leu (NM_001048172.2, NM_001407071.1, NM_001407078.1 and 2 more transcripts); c.233A>T, p.Gln78Leu (NM_001128425.2); c.194A>T, p.Gln65Leu (NM_001293190.2); c.182A>T, p.Gln61Leu (NM_001293191.2, NM_001407077.1); c.-123A>T (NM_001350650.2); c.224A>T, p.Gln75Leu (NM_001407069.1, NM_012222.3); c.191A>T, p.Gln64Leu (NM_001407073.1, NM_001407083.1, NM_001407085.1); and 4 more; short protein forms Q50L, Q61L, Q22L, Q51L, Q57L, Q64L, Q78L, Q65L.
Identifiers: ClinVar variation 4113536 (VCV004113536.1).

ClinVar aggregate classification (germline): Uncertain significance (1 of 4 stars; one submission).

Conditions:
Hereditary cancer-predisposing syndrome. Also called: Hereditary neoplastic syndrome; Neoplastic Syndromes, Hereditary; Tumor predisposition; Hereditary Cancer Syndrome. Identifiers: Orphanet 140162, MedGen C0027672, MeSH D009386, MONDO:0015356.

Submission:

Ambry Genetics
Classification: Uncertain significance for Hereditary cancer-predisposing syndrome. Last evaluated: 2025-08-27. Review status: criteria provided, single submitter. Criteria: Ambry Variant Classification Scheme 2023. Collection method: clinical testing. Allele origin: germline.
Comment: The p.Q78L variant (also known as c.233A>T), located in coding exon 3 of the MUTYH gene, results from an A to T substitution at nucleotide position 233. The glutamine at codon 78 is replaced by leucine, an amino acid with dissimilar properties. This amino acid position is conserved. In addition, this alteration is predicted to be tolerated by in silico analysis. Based on the available evidence, the clinical significance of this variant remains unclear.